The following is an entry in ClinVar:

ClinVar aggregate classification (germline): Uncertain significance (1 of 4 stars; one submission).

Allele frequency attached by ClinVar (database versions not stated): gnomAD exomes below 0.00001.
gnomAD v4.1: 1 of 1,612,224 alleles (0.000062%); highest among the groups gnomAD compares: South Asian, 0.0011%; no homozygotes.

Submission:

Labcorp Genetics (formerly Invitae), Labcorp
Classification: Uncertain significance. Last evaluated: 2022-03-12. Review status: criteria provided, single submitter. Criteria: Invitae Variant Classification Sherloc (09022015). Collection method: clinical testing. Allele origin: germline.
Comment: In summary, the available evidence is currently insufficient to determine the role of this variant in disease. Therefore, it has been classified as a Variant of Uncertain Significance. Algorithms developed to predict the effect of missense changes on protein structure and function are either unavailable or do not agree on the potential impact of this missense change (SIFT: "Deleterious"; PolyPhen-2: "Probably Damaging"; Align-GVGD: "Class C0"). This variant has not been reported in the literature in individuals affected with AEBP1-related conditions. This variant is not present in population databases (gnomAD no frequency). This sequence change replaces glycine, which is neutral and non-polar, with aspartic acid, which is acidic and polar, at codon 842 of the AEBP1 protein (p.Gly842Asp).

NM_001129.5(AEBP1):c.2525G>A (p.Gly842Asp)

Gene: AEBP1 (AE binding protein 1; plus strand). Cytogenetic location: 7p13.
Variant type: single nucleotide variant.
Coding change: c.2525G>A on transcript NM_001129.5 (MANE Select); coding-DNA position 2525, G replaced by A.
Protein change: p.Gly842Asp; replaces glycine 842 with aspartic acid.
Molecular consequence: missense variant.
Genome position (GRCh38, 1-based): chr7:44,112,865, G>A. VCF-style: chr7-44112865-G-A. GRCh37 (hg19) VCF-style: chr7-44152464-G-A.
Other names: short protein forms G842D.
Identifiers: ClinVar variation 2110414 (VCV002110414.4), dbSNP rs2484359786, ClinGen allele CA367371552.
Genomic context (GRCh38, chr7:44,112,865, plus strand): 5'-CACACCTCACCTTGACCGAGCCCTACCGCGGAGGCTGCCAAGCCCAGGACTACACCGGCG[G>A]CATGGGCATCGTCAACGGGGCCAAGTGGAACCCCCGGACCGGGAGTGAGTCAGCCTGGGA-3'
Protein context (NP_001120.3, residues 832-852): GGCQAQDYTG[Gly842Asp]MGIVNGAKWN